The following is an entry in ClinVar:

NM_024821.5(CCDC134):c.2T>C (p.Met1Thr)

Gene: CCDC134 (coiled-coil domain containing 134; plus strand). Cytogenetic location: 22q13.2.
Variant type: single nucleotide variant.
Coding change: c.2T>C on transcript NM_024821.5 (MANE Select); coding-DNA position 2, T replaced by C.
Protein change: p.Met1Thr; changes the start codon (methionine 1).
Molecular consequence: missense variant, initiator codon variant.
Genome position (GRCh38, 1-based): chr22:41,808,892, T>C. VCF-style: chr22-41808892-T-C. GRCh37 (hg19) VCF-style: chr22-42204896-T-C.
Other names: CCDC134, MET1THR (rs1255441851); c.2T>C, p.Met1Thr (NM_001304797.2, NM_001382346.1); short protein forms M1T.
Identifiers: ClinVar variation 634649 (VCV000634649.6), dbSNP rs1255441851, ClinGen allele CA411747817.

ClinVar aggregate classification (germline): Pathogenic. Review status: criteria provided, single submitter (1 of 4 stars). 3 submissions from 3 submitters: Pathogenic (1). 2 of the submissions do not count toward it. Last evaluated 2022-02-21.

Conditions:
Recurrent fractures. Identifiers: MedGen C0016655, HP:0002757.
Severe progressive deforming recessive osteogenesis imperfecta (type III).
Osteogenesis imperfecta, type XXII. Also called: Osteogenesis imperfecta, IIA 22; Osteogenesis imperfecta, type 22. Identifiers: MedGen C5676943, MONDO:0030714, OMIM 619795.

Allele frequency attached by ClinVar (database versions not stated): gnomAD exomes below 0.00001; gnomAD 0.00001.

Submissions (3):

Laboratorio de Genetica e Diagnostico Molecular, Hospital Israelita Albert Einstein
Classification: Pathogenic for Severe progressive deforming recessive osteogenesis imperfecta (type III). Last evaluated: 2022-02-21. Review status: criteria provided, single submitter. Criteria: ACMG Guidelines, 2015. Collection method: clinical testing. Allele origin: germline. Affected: yes.
Comment: ACMG classification criteria: PVS1 moderate, PS4 strong, PM2 moderate, PM3 moderate, PP1 supporting, PP4 supporting

OMIM
Classification: Pathogenic for OSTEOGENESIS IMPERFECTA, TYPE XXII. Last evaluated: 2022-03-15. Review status: no assertion criteria provided. Collection method: literature only. Allele origin: germline. Not counted in ClinVar's aggregate classification.

Centre de Biologie Pathologie Génétique, Centre Hospitalier Universitaire de Lille
Classification: Pathogenic for Recurrent fractures. Last evaluated: 2018-09-27. Review status: no assertion criteria provided. Collection method: clinical testing. Allele origin: inherited. Affected: yes. Observed: 8 variant alleles. Not counted in ClinVar's aggregate classification.

Literature cited by the submitters: PubMed 32181939 (cited by OMIM); PubMed 34204301 (cited by OMIM); PubMed 35019224 (cited by OMIM).